The following is an entry in ClinVar:

ClinVar aggregate classification (germline): Uncertain significance (1 of 4 stars; one submission).

Conditions:
RASopathy. Also called: Noonan spectrum disorder; rasopathies. Identifiers: Orphanet 536391, MedGen C5555857, MONDO:0021060.

gnomAD v4.1: 2 of 1,613,544 alleles (0.00012%); highest among the groups gnomAD compares: East Asian, 0.0045%; no homozygotes.

Submission:

Labcorp Genetics (formerly Invitae), Labcorp
Classification: Uncertain significance for RASopathy. Last evaluated: 2025-06-11. Review status: criteria provided, single submitter. Criteria: Invitae Variant Classification Sherloc (09022015). Collection method: clinical testing. Allele origin: germline.
Comment: This sequence change replaces cysteine, which is neutral and slightly polar, with serine, which is neutral and polar, at codon 341 of the MAP2K1 protein (p.Cys341Ser). This variant also falls at the last nucleotide of exon 9, which is part of the consensus splice site for this exon. The frequency data for this variant in the population databases is considered unreliable, as metrics indicate poor data quality at this position in the gnomAD database. This variant has not been reported in the literature in individuals affected with MAP2K1-related conditions. Invitae Evidence Modeling of protein sequence and biophysical properties (such as structural, functional, and spatial information, amino acid conservation, physicochemical variation, residue mobility, and thermodynamic stability) has been performed for this missense variant. However, the output from this modeling did not meet the statistical confidence thresholds required to predict the impact of this variant on MAP2K1 protein function. Variants that disrupt the consensus splice site are a relatively common cause of aberrant splicing (PMID: 17576681, 9536098). In summary, the available evidence is currently insufficient to determine the role of this variant in disease. Therefore, it has been classified as a Variant of Uncertain Significance.

Literature cited by the submitters: PubMed 17576681; PubMed 9536098.

NM_002755.4(MAP2K1):c.1022G>C (p.Cys341Ser)

Gene: MAP2K1 (mitogen-activated protein kinase kinase 1; plus strand). Cytogenetic location: 15q22.31.
Variant type: single nucleotide variant.
Coding change: c.1022G>C on transcript NM_002755.4 (MANE Select); coding-DNA position 1022, G replaced by C.
Protein change: p.Cys341Ser; replaces cysteine 341 with serine.
Molecular consequence: missense variant.
Genome position (GRCh38, 1-based): chr15:66,489,276, G>C. VCF-style: chr15-66489276-G-C. GRCh37 (hg19) VCF-style: chr15-66781614-G-C.
Other names: c.878G>C, p.Cys293Ser (NM_001411065.1); short protein forms C293S, C341S.
Identifiers: ClinVar variation 4710015 (VCV004710015.1).